The following is an entry in ClinVar:

NM_001363711.2(DUOX2):c.4025G>A (p.Arg1342His)

Gene: DUOX2 (dual oxidase 2; minus strand). Cytogenetic location: 15q21.1.
Variant type: single nucleotide variant.
Coding change: c.4025G>A on transcript NM_001363711.2 (MANE Select); coding-DNA position 4025, G replaced by A.
Protein change: p.Arg1342His; replaces arginine 1342 with histidine.
Molecular consequence: missense variant.
Genome position (GRCh38, 1-based): chr15:45,095,883, C>T on the plus strand (G>A on the coding strand, the complement: DUOX2 is on the minus strand). VCF-style: chr15-45095883-C-T. GRCh37 (hg19) VCF-style: chr15-45388081-C-T.
Other names: c.4025G>A, p.Arg1342His (NM_014080.5); c.4025G>A (NM_014080.4); short protein forms R1342H.
Identifiers: ClinVar variation 2146909 (VCV002146909.5), dbSNP rs140110061, ClinGen allele CA7537665.

ClinVar aggregate classification (germline): Uncertain significance. Review status: criteria provided, multiple submitters, no conflicts (2 of 4 stars). 3 submissions from 3 submitters: Uncertain significance (3). Last evaluated 2025-09-29.

Conditions:
Inborn genetic diseases. Identifiers: MedGen C0950123, MeSH D030342.

Allele frequency attached by ClinVar (database versions not stated): gnomAD exomes 0.00002; ExAC 0.00004; gnomAD 0.00017; ESP Exome Variant Server 0.00023; TOPMed 0.00023.
gnomAD v4.1: 65 of 1,612,730 alleles (0.004%); highest among the groups gnomAD compares: African/African-American, 0.055%; no homozygotes.

Submissions (3):

Labcorp Genetics (formerly Invitae), Labcorp
Classification: Uncertain significance. Last evaluated: 2025-09-29. Review status: criteria provided, single submitter. Criteria: Invitae Variant Classification Sherloc (09022015). Collection method: clinical testing. Allele origin: germline.
Comment: This sequence change replaces arginine, which is basic and polar, with histidine, which is basic and polar, at codon 1342 of the DUOX2 protein (p.Arg1342His). This variant is present in population databases (rs140110061, gnomAD 0.06%). This variant has not been reported in the literature in individuals affected with DUOX2-related conditions. ClinVar contains an entry for this variant (Variation ID: 2146909). Invitae Evidence Modeling of protein sequence and biophysical properties (such as structural, functional, and spatial information, amino acid conservation, physicochemical variation, residue mobility, and thermodynamic stability) indicates that this missense variant is not expected to disrupt DUOX2 protein function with a negative predictive value of 80%. In summary, the available evidence is currently insufficient to determine the role of this variant in disease. Therefore, it has been classified as a Variant of Uncertain Significance.

Ambry Genetics
Classification: Uncertain significance for Inborn genetic diseases. Last evaluated: 2023-12-13. Review status: criteria provided, single submitter. Criteria: Ambry Variant Classification Scheme 2023. Collection method: clinical testing. Allele origin: germline.

GeneDx
Classification: Uncertain significance. Last evaluated: 2023-07-09. Review status: criteria provided, single submitter. Criteria: GeneDx Variant Classification Process June 2021. Collection method: clinical testing. Allele origin: germline. Affected: yes.
Comment: Has not been previously published as pathogenic or benign to our knowledge; In silico analysis supports that this missense variant does not alter protein structure/function